The following is an entry in ClinVar:

NM_006267.5(RANBP2):c.739C>T (p.Leu247Phe)

Gene: RANBP2 (RAN binding protein 2; plus strand). Cytogenetic location: 2q13.
Variant type: single nucleotide variant.
Coding change: c.739C>T on transcript NM_006267.5 (MANE Select); coding-DNA position 739, C replaced by T.
Protein change: p.Leu247Phe; replaces leucine 247 with phenylalanine.
Molecular consequence: missense variant.
Genome position (GRCh38, 1-based): chr2:108,736,206, C>T. VCF-style: chr2-108736206-C-T. GRCh37 (hg19) VCF-style: chr2-109352662-C-T.
Other names: short protein forms L247F.
Identifiers: ClinVar variation 469485 (VCV000469485.5), dbSNP rs1179200305, ClinGen allele CA348041891.

ClinVar aggregate classification (germline): Uncertain significance (1 of 4 stars; one submission).

Conditions:
Familial acute necrotizing encephalopathy (IIAE3). Also called: Susceptibility to Acute Necrotizing Encephalopathy 1; ENCEPHALOPATHY, ACUTE, INFECTION-INDUCED, SUSCEPTIBILITY TO, 3. Identifiers: Orphanet 88619, MedGen C2675556, MONDO:0011953, OMIM 608033.

Allele frequency attached by ClinVar (database versions not stated): gnomAD exomes below 0.00001 and 0.00002; TOPMed 0.00001.

Submission:

Labcorp Genetics (formerly Invitae), Labcorp
Classification: Uncertain significance for Familial acute necrotizing encephalopathy. Last evaluated: 2025-02-19. Review status: criteria provided, single submitter. Criteria: Invitae Variant Classification Sherloc (09022015). Collection method: clinical testing. Allele origin: germline.
Comment: This sequence change replaces leucine, which is neutral and non-polar, with phenylalanine, which is neutral and non-polar, at codon 247 of the RANBP2 protein (p.Leu247Phe). This variant is present in population databases (no rsID available, gnomAD 0.0009%). This variant has not been reported in the literature in individuals affected with RANBP2-related conditions. ClinVar contains an entry for this variant (Variation ID: 469485). An algorithm developed to predict the effect of missense changes on protein structure and function (PolyPhen-2) suggests that this variant is likely to be tolerated. In summary, the available evidence is currently insufficient to determine the role of this variant in disease. Therefore, it has been classified as a Variant of Uncertain Significance.